The following is an entry in ClinVar:

NM_032043.3(BRIP1):c.*2241T>C

Gene: BRIP1 (BRCA1 interacting DNA helicase 1; minus strand). Cytogenetic location: 17q23.2.
Variant type: single nucleotide variant.
Coding change: c.*2241T>C on transcript NM_032043.3 (MANE Select); 2241 bases downstream of the stop codon, T replaced by C.
Molecular consequence: 3 prime UTR variant.
Genome position (GRCh38, 1-based): chr17:61,681,055, A>G on the plus strand (T>C on the coding strand, the complement: BRIP1 is on the minus strand). VCF-style: chr17-61681055-A-G. GRCh37 (hg19) VCF-style: chr17-59758416-A-G.
Identifiers: ClinVar variation 324321 (VCV000324321.5), dbSNP rs76889595, ClinGen allele CA10640116.

ClinVar aggregate classification (germline): Benign (1 of 4 stars; one submission).

Conditions:
Fanconi anemia complementation group J. Also called: BRIP1-Related Fanconi Anemia. Identifiers: Orphanet 84, MedGen C1836860, MONDO:0012187, OMIM 609054.

Allele frequency attached by ClinVar (database versions not stated): gnomAD 0.05966 and 0.06720; TOPMed 0.06024; 1000 Genomes Project 30x 0.11462; 1000 Genomes Project 0.11961.
gnomAD v4.1: 10,316 of 152,130 alleles (6.8%); highest among the groups gnomAD compares: South Asian, 26%; 550 homozygotes.

Submission:

Illumina Laboratory Services, Illumina
Classification: Benign for Fanconi anemia complementation group J. Last evaluated: 2018-01-12. Review status: criteria provided, single submitter. Criteria: ICSL Variant Classification Criteria 13 December 2019. Collection method: clinical testing. Allele origin: germline.
Comment: This variant was observed in the ICSL laboratory as part of a predisposition screen in an ostensibly healthy population. It had not been previously curated by ICSL or reported in the Human Gene Mutation Database (HGMD: prior to June 1st, 2018), and was therefore a candidate for classification through an automated scoring system. Utilizing variant allele frequency, disease prevalence and penetrance estimates, and inheritance mode, an automated score was calculated to assess if this variant is too frequent to cause the disease. Based on the score and internal cut-off values, a variant classified as benign is not then subjected to further curation. The score for this variant resulted in a classification of benign for this disease.